The following is an entry in ClinVar:

ClinVar aggregate classification (germline): Uncertain significance (1 of 4 stars; one submission).

Conditions:
Leigh syndrome (NULS). Also called: Leigh's necrotizing encephalopathy; Leigh's disease; Leigh's syndrome; LEIGH SYNDROME, NUCLEAR; Leigh Syndrome (mtDNA deletion); Leigh Disease. Identifiers: Orphanet 506, MedGen C2931891, MONDO:0009723, OMIM 256000.

Submission:

Wong Mito Lab, Molecular and Human Genetics, Baylor College of Medicine
Classification: Uncertain significance for Leigh syndrome. Last evaluated: 2019-10-17. Review status: criteria provided, single submitter. Criteria: Modified ACMG Guidelines (Unpublished). Collection method: clinical testing. Allele origin: germline.
Comment: The NC_012920.1:m.14234T>C (YP_003024037.1:p.Asp147Gly) variant in MTND6 gene is interpretated to be a Uncertain Significance variant based on the modified ACMG guidelines (unpublished). This variant meets the following evidence codes: PP7

NC_012920.1(MT-ND6):m.14234T>C

Gene: MT-ND6 (mitochondrially encoded NADH dehydrogenase 6; minus strand).
Variant type: single nucleotide variant.
Genome position: chrM-14234-T-C.
Identifiers: ClinVar variation 693696 (VCV000693696.1), dbSNP rs1603224619, ClinGen allele CA414821531.